The following is an entry in ClinVar:

ClinVar aggregate classification (germline): Uncertain significance. Review status: criteria provided, multiple submitters, no conflicts (2 of 4 stars). 2 submissions from 2 submitters: Uncertain significance (2). Last evaluated 2023-12-20.

Conditions:
Inborn genetic diseases. Identifiers: MedGen C0950123, MeSH D030342.
Niemann-Pick disease, type C2 (NPC2). Identifiers: Orphanet 646, MedGen C1843366, MONDO:0011873, OMIM 607625.

Allele frequency attached by ClinVar (database versions not stated): gnomAD exomes below 0.00001; TOPMed below 0.00001; gnomAD 0.00001; ExAC 0.00002.

Submissions (2):

Ambry Genetics
Classification: Uncertain significance for Inborn genetic diseases. Last evaluated: 2023-12-20. Review status: criteria provided, single submitter. Criteria: Ambry Variant Classification Scheme 2023. Collection method: clinical testing. Allele origin: germline.

Labcorp Genetics (formerly Invitae), Labcorp
Classification: Uncertain significance for Niemann-Pick disease, type C2. Last evaluated: 2022-06-13. Review status: criteria provided, single submitter. Criteria: Invitae Variant Classification Sherloc (09022015). Collection method: clinical testing. Allele origin: germline.
Comment: This sequence change replaces serine, which is neutral and polar, with cysteine, which is neutral and slightly polar, at codon 29 of the NPC2 protein (p.Ser29Cys). This variant is present in population databases (rs753010998, gnomAD 0.001%). This variant has not been reported in the literature in individuals affected with NPC2-related conditions. Algorithms developed to predict the effect of missense changes on protein structure and function are either unavailable or do not agree on the potential impact of this missense change (SIFT: "Deleterious"; PolyPhen-2: "Probably Damaging"; Align-GVGD: "Class C15"). In summary, the available evidence is currently insufficient to determine the role of this variant in disease. Therefore, it has been classified as a Variant of Uncertain Significance.

NM_006432.5(NPC2):c.86C>G (p.Ser29Cys)

Gene: NPC2 (NPC intracellular cholesterol transporter 2; minus strand). Cytogenetic location: 14q24.3.
Variant type: single nucleotide variant.
Coding change: c.86C>G on transcript NM_006432.5 (MANE Select); coding-DNA position 86, C replaced by G.
Protein change: p.Ser29Cys; replaces serine 29 with cysteine.
Molecular consequence: missense variant.
Genome position (GRCh38, 1-based): chr14:74,486,433, G>C on the plus strand (C>G on the coding strand, the complement: NPC2 is on the minus strand). VCF-style: chr14-74486433-G-C. GRCh37 (hg19) VCF-style: chr14-74953136-G-C.
Other names: c.86C>G (NM_006432.3); c.86C>G, p.Ser29Cys (NM_001363688.1, NM_001375440.1); short protein forms S29C.
Identifiers: ClinVar variation 1408918 (VCV001408918.6), dbSNP rs753010998, ClinGen allele CA7268193.